The following is an entry in ClinVar:

ClinVar aggregate classification (germline): Benign. Review status: criteria provided, single submitter (1 of 4 stars). 2 submissions from 2 submitters: Benign (1). 1 of the submissions does not count toward it. Last evaluated 2026-01-11.

Conditions:
MIPEP-related disorder. Also called: MIPEP-related condition.

Allele frequency attached by ClinVar (database versions not stated): gnomAD exomes 0.00082 and 0.00220; ExAC 0.00275; gnomAD 0.00881 and 0.00958; 1000 Genomes Project 0.00938; TOPMed 0.01005; 1000 Genomes Project 30x 0.01015; ESP Exome Variant Server 0.01069.
gnomAD v4.1: 2,556 of 1,608,538 alleles (0.16%); highest among the groups gnomAD compares: African/African-American, 3.1%; 37 homozygotes.

Submissions (15):

Labcorp Genetics (formerly Invitae), Labcorp
Classification: Benign. Last evaluated: 2026-01-11. Review status: criteria provided, single submitter. Criteria: Invitae Variant Classification Sherloc (09022015). Collection method: clinical testing. Allele origin: germline.

PreventionGenetics, part of Exact Sciences
Classification: Likely benign for MIPEP-related condition. Last evaluated: 2023-12-06. Review status: no assertion criteria provided. Collection method: clinical testing. Allele origin: germline. Not counted in ClinVar's aggregate classification.
Comment: This variant is classified as likely benign based on ACMG/AMP sequence variant interpretation guidelines (Richards et al. 2015 PMID: 25741868, with internal and published modifications).

Dr. Peter K. Rogan Lab, Western University
No classification provided (evidence only). Condition: Lung cancer. Review status: no classification provided. Collection method: in vitro. Allele origin: not applicable. Functional consequence: skipped exon, retained intron. Not counted in ClinVar's aggregate classification.

Dr. Peter K. Rogan Lab, Western University
No classification provided (evidence only). Condition: Acute myeloid leukemia. Review status: no classification provided. Collection method: in vitro. Allele origin: not applicable. Functional consequence: retained intron. Not counted in ClinVar's aggregate classification.

Dr. Peter K. Rogan Lab, Western University
No classification provided (evidence only). Condition: Acute myeloid leukemia. Review status: no classification provided. Collection method: in vitro. Allele origin: not applicable. Functional consequence: retained intron. Not counted in ClinVar's aggregate classification.

Dr. Peter K. Rogan Lab, Western University
No classification provided (evidence only). Condition: Acute myeloid leukemia. Review status: no classification provided. Collection method: in vitro. Allele origin: not applicable. Functional consequence: retained intron. Not counted in ClinVar's aggregate classification.

Dr. Peter K. Rogan Lab, Western University
No classification provided (evidence only). Condition: Colon adenocarcinoma. Review status: no classification provided. Collection method: in vitro. Allele origin: not applicable. Functional consequence: retained intron. Not counted in ClinVar's aggregate classification.

Dr. Peter K. Rogan Lab, Western University
No classification provided (evidence only). Condition: Uterine corpus endometrial carcinoma. Review status: no classification provided. Collection method: in vitro. Allele origin: not applicable. Functional consequence: retained intron. Not counted in ClinVar's aggregate classification.

Dr. Peter K. Rogan Lab, Western University
No classification provided (evidence only). Condition: Uterine corpus endometrial carcinoma. Review status: no classification provided. Collection method: in vitro. Allele origin: not applicable. Functional consequence: skipped exon, retained intron. Not counted in ClinVar's aggregate classification.

Dr. Peter K. Rogan Lab, Western University
No classification provided (evidence only). Condition: Uterine corpus endometrial carcinoma. Review status: no classification provided. Collection method: in vitro. Allele origin: not applicable. Functional consequence: retained intron. Not counted in ClinVar's aggregate classification.

Dr. Peter K. Rogan Lab, Western University
No classification provided (evidence only). Condition: Uterine corpus endometrial carcinoma. Review status: no classification provided. Collection method: in vitro. Allele origin: not applicable. Functional consequence: skipped exon, retained intron. Not counted in ClinVar's aggregate classification.

Dr. Peter K. Rogan Lab, Western University
No classification provided (evidence only). Condition: Cervical cancer. Review status: no classification provided. Collection method: in vitro. Allele origin: not applicable. Functional consequence: skipped exon, retained intron. Not counted in ClinVar's aggregate classification.

Dr. Peter K. Rogan Lab, Western University
No classification provided (evidence only). Condition: Sarcoma. Review status: no classification provided. Collection method: in vitro. Allele origin: not applicable. Functional consequence: retained intron. Not counted in ClinVar's aggregate classification.

Dr. Peter K. Rogan Lab, Western University
No classification provided (evidence only). Condition: Nonpapillary renal cell carcinoma. Review status: no classification provided. Collection method: in vitro. Allele origin: not applicable. Functional consequence: retained intron. Not counted in ClinVar's aggregate classification.

Dr. Peter K. Rogan Lab, Western University
No classification provided (evidence only). Condition: Ovarian serous cystadenocarcinoma. Review status: no classification provided. Collection method: in vitro. Allele origin: not applicable. Functional consequence: retained intron. Not counted in ClinVar's aggregate classification.

NM_005932.4(MIPEP):c.1654-3A>G

Gene: MIPEP (mitochondrial intermediate peptidase; minus strand). Cytogenetic location: 13q12.12.
Variant type: single nucleotide variant.
Coding change: c.1654-3A>G on transcript NM_005932.4 (MANE Select); 3 bases into the intron before coding-DNA position 1654, A replaced by G.
Molecular consequence: intron variant.
Genome position (GRCh38, 1-based): chr13:23,809,927, T>C on the plus strand (A>G on the coding strand, the complement: MIPEP is on the minus strand). VCF-style: chr13-23809927-T-C. GRCh37 (hg19) VCF-style: chr13-24384066-T-C.
Identifiers: ClinVar variation 787408 (VCV000787408.13), dbSNP rs114147896, ClinGen allele CA6912900.